The following is an entry in ClinVar:

NM_183381.3(RNF13):c.106A>G (p.Ile36Val)

Gene: RNF13 (ring finger protein 13; plus strand). Cytogenetic location: 3q25.1.
Variant type: single nucleotide variant.
Coding change: c.106A>G on transcript NM_183381.3 (MANE Select); coding-DNA position 106, A replaced by G.
Protein change: p.Ile36Val; replaces isoleucine 36 with valine.
Molecular consequence: missense variant. On other transcripts: 5 prime UTR variant (4), non-coding transcript variant (1), intron variant (2).
Genome position (GRCh38, 1-based): chr3:149,846,132, A>G. VCF-style: chr3-149846132-A-G. GRCh37 (hg19) VCF-style: chr3-149563919-A-G.
Other names: c.106A>G, p.Ile36Val (NM_001378285.1, NM_001378286.1, NM_007282.4); c.-262A>G (NM_001378287.1, NM_001378288.1, NM_001378289.1 and 1 more transcripts); c.-253-6384A>G (NM_183383.2); c.-279-6384A>G (NM_001378291.1); short protein forms I36V.
Identifiers: ClinVar variation 2585441 (VCV002585441.1), dbSNP rs2473178773, ClinGen allele CA355011696.

ClinVar aggregate classification (germline): Uncertain significance (1 of 4 stars; one submission).

Conditions:
Developmental and epileptic encephalopathy, 73. Also called: Rnf13-related severe early-onset epileptic encephalopathy; EPILEPTIC ENCEPHALOPATHY, EARLY INFANTILE, 73. Identifiers: Orphanet 544503, MedGen C5193065, MONDO:0034106, OMIM 618379.

Submission:

Neuberg Centre For Genomic Medicine, NCGM
Classification: Uncertain significance for Developmental and epileptic encephalopathy, 73. Review status: criteria provided, single submitter. Criteria: ACMG Guidelines, 2015. Collection method: clinical testing. Allele origin: germline. Inheritance: Autosomal dominant inheritance. Affected: yes.
Comment: The missense c.106A>G (p.Ile36Val) variant in RNF13 gene has not been reported previously as a pathogenic variant nor as a benign variant, to our knowledge. The p.Ile36Val variant is novel (not in any individuals) in gnomAD Exomes and 1000 Genomes. The amino acid Ile at position 36 is changed to a Val changing protein sequence and it might alter its composition and physico-chemical properties. In silico tools predict the variant to be tolerated. The residue is conserved across species. The amino acid change p.Ile36Val in RNF13 is predicted as conserved by GERP++ and PhyloP across 100 vertebrates. For these reasons, this variant has been classified as Uncertain Significance.